The following is an entry in ClinVar:

NM_000059.4(BRCA2):c.1058C>A (p.Ser353Ter)

Gene: BRCA2 (BRCA2 DNA repair associated; plus strand). Cytogenetic location: 13q13.1.
Variant type: single nucleotide variant.
Coding change: c.1058C>A on transcript NM_000059.4 (MANE Select); coding-DNA position 1058, C replaced by A.
Protein change: p.Ser353Ter; replaces serine 353 with a stop codon.
Molecular consequence: nonsense.
Genome position (GRCh38, 1-based): chr13:32,332,536, C>A. VCF-style: chr13-32332536-C-A. GRCh37 (hg19) VCF-style: chr13-32906673-C-A.
Other names: 1286C>A (S353X); short protein forms S353*.
Identifiers: ClinVar variation 266605 (VCV000266605.5), dbSNP rs769368098, ClinGen allele CA10589069.

ClinVar aggregate classification (germline): Pathogenic. Review status: reviewed by expert panel (3 of 4 stars). 2 submissions from 2 submitters: Pathogenic (1). 1 of the submissions does not count toward it. Last evaluated 2016-10-18.

Conditions:
Breast-ovarian cancer, familial, susceptibility to, 2 (BROVCA2). Also called: BRCA2 Hereditary Breast and Ovarian Cancer. Identifiers: Orphanet 145, MedGen C2675520, MONDO:0012933, OMIM 612555. Disease mechanism: loss of function.

Submissions (2):

Evidence-based Network for the Interpretation of Germline Mutant Alleles (ENIGMA)
Classification: Pathogenic for Breast-ovarian cancer, familial, susceptibility to, 2. Last evaluated: 2016-10-18. Review status: reviewed by expert panel. Criteria: ENIGMA BRCA1/2 Classification Criteria (2015). Collection method: curation. Allele origin: germline.
Comment: Variant allele predicted to encode a truncated non-functional protein.

Consortium of Investigators of Modifiers of BRCA1/2 (CIMBA), c/o University of Cambridge
Classification: Pathogenic for Breast-ovarian cancer, familial, susceptibility to, 2. Last evaluated: 2015-10-02. Review status: criteria provided, single submitter. Criteria: CIMBA Mutation Classification guidelines May 2016. Collection method: clinical testing. Allele origin: germline. Not counted in ClinVar's aggregate classification.